The following is an entry in ClinVar:

NM_020207.7(ERCC6L2):c.3565A>C (p.Ile1189Leu)

Gene: ERCC6L2 (ERCC excision repair 6 like 2; plus strand). Cytogenetic location: 9q22.32.
Variant type: single nucleotide variant.
Coding change: c.3565A>C on transcript NM_020207.7 (MANE Select); coding-DNA position 3565, A replaced by C.
Protein change: p.Ile1189Leu; replaces isoleucine 1189 with leucine.
Molecular consequence: missense variant. On other transcripts: non-coding transcript variant (1).
Genome position (GRCh38, 1-based): chr9:96,004,592, A>C. VCF-style: chr9-96004592-A-C. GRCh37 (hg19) VCF-style: chr9-98766874-A-C.
Other names: c.3565A>C, p.Ile1189Leu (NM_001375291.1, NM_001375292.1); short protein forms I1189L.
Identifiers: ClinVar variation 1417437 (VCV001417437.8), dbSNP rs2133203413, ClinGen allele CA466116444.

ClinVar aggregate classification (germline): Uncertain significance (1 of 4 stars; one submission).

Submission:

Labcorp Genetics (formerly Invitae), Labcorp
Classification: Uncertain significance. Last evaluated: 2020-12-08. Review status: criteria provided, single submitter. Criteria: Invitae Variant Classification Sherloc (09022015). Collection method: clinical testing. Allele origin: germline.
Comment: In summary, the available evidence is currently insufficient to determine the role of this variant in disease. Therefore, it has been classified as a Variant of Uncertain Significance. Algorithms developed to predict the effect of missense changes on protein structure and function are either unavailable or do not agree on the potential impact of this missense change (SIFT: "Tolerated"; PolyPhen-2: "Not Available"; Align-GVGD: "Class C0"). This sequence change replaces isoleucine with leucine at codon 1200 of the ERCC6L2 protein (p.Ile1200Leu). The isoleucine residue is weakly conserved and there is a small physicochemical difference between isoleucine and leucine. This variant is not present in population databases (ExAC no frequency). This variant has not been reported in the literature in individuals with ERCC6L2-related conditions.